The following is an entry in ClinVar:

NM_003803.4(MYOM1):c.2367C>G (p.Asn789Lys)

Gene: MYOM1 (myomesin 1; minus strand). Cytogenetic location: 18p11.31.
Variant type: single nucleotide variant.
Coding change: c.2367C>G on transcript NM_003803.4 (MANE Select); coding-DNA position 2367, C replaced by G.
Protein change: p.Asn789Lys; replaces asparagine 789 with lysine.
Molecular consequence: missense variant.
Genome position (GRCh38, 1-based): chr18:3,134,667, G>C on the plus strand (C>G on the coding strand, the complement: MYOM1 is on the minus strand). VCF-style: chr18-3134667-G-C. GRCh37 (hg19) VCF-style: chr18-3134665-G-C.
Other names: c.2367C>G, p.Asn789Lys (NM_019856.2); short protein forms N789K.
Identifiers: ClinVar variation 410248 (VCV000410248.11), dbSNP rs773582739, ClinGen allele CA8874675.

ClinVar aggregate classification (germline): Uncertain significance. Review status: criteria provided, multiple submitters, no conflicts (2 of 4 stars). 2 submissions from 2 submitters: Uncertain significance (2). Last evaluated 2025-12-09.

Conditions:
Hypertrophic cardiomyopathy. Also called: HYPERTROPHIC MYOCARDIOPATHY. Identifiers: Orphanet 217569, MedGen C0007194, MeSH D002312, MONDO:0005045, HP:0001639.

Allele frequency attached by ClinVar (database versions not stated): ExAC 0.00001; gnomAD exomes 0.00002; TOPMed 0.00002; gnomAD 0.00003.
gnomAD v4.1: 39 of 1,613,254 alleles (0.0024%); highest among the groups gnomAD compares: Non-Finnish European, 0.0031%; no homozygotes.

Submissions (2):

Labcorp Genetics (formerly Invitae), Labcorp
Classification: Uncertain significance for Hypertrophic cardiomyopathy. Last evaluated: 2025-12-09. Review status: criteria provided, single submitter. Criteria: Invitae Variant Classification Sherloc (09022015). Collection method: clinical testing. Allele origin: germline.
Comment: This sequence change replaces asparagine, which is neutral and polar, with lysine, which is basic and polar, at codon 789 of the MYOM1 protein (p.Asn789Lys). This variant is present in population databases (rs773582739, gnomAD 0.005%). This variant has not been reported in the literature in individuals affected with MYOM1-related conditions. ClinVar contains an entry for this variant (Variation ID: 410248). Invitae Evidence Modeling of protein sequence and biophysical properties (such as structural, functional, and spatial information, amino acid conservation, physicochemical variation, residue mobility, and thermodynamic stability) indicates that this missense variant is not expected to disrupt MYOM1 protein function with a negative predictive value of 80%. In summary, the available evidence is currently insufficient to determine the role of this variant in disease. Therefore, it has been classified as a Variant of Uncertain Significance.

Ambry Genetics
Classification: Uncertain significance. Last evaluated: 2025-04-08. Review status: criteria provided, single submitter. Criteria: Ambry Variant Classification Scheme 2023. Collection method: clinical testing. Allele origin: germline.